The following is an entry in ClinVar:

ClinVar aggregate classification (germline): Uncertain significance (1 of 4 stars; one submission).

Submission:

GeneDx
Classification: Uncertain significance. Last evaluated: 2024-02-06. Review status: criteria provided, single submitter. Criteria: GeneDx Variant Classification Process June 2021. Collection method: clinical testing. Allele origin: germline. Affected: yes.
Comment: Not observed at significant frequency in large population cohorts (gnomAD); In silico analysis supports that this missense variant does not alter protein structure/function; Has not been previously published as pathogenic or benign to our knowledge

NM_001940.4(ATN1):c.1522G>T (p.Gly508Trp)

Gene: ATN1 (atrophin 1; plus strand). Cytogenetic location: 12p13.31.
Variant type: single nucleotide variant.
Coding change: c.1522G>T on transcript NM_001940.4 (MANE Select); coding-DNA position 1522, G replaced by T.
Protein change: p.Gly508Trp; replaces glycine 508 with tryptophan.
Molecular consequence: missense variant.
Genome position (GRCh38, 1-based): chr12:6,936,789, G>T. VCF-style: chr12-6936789-G-T. GRCh37 (hg19) VCF-style: chr12-7045952-G-T.
Other names: c.1522G>T, p.Gly508Trp (NM_001007026.2, NM_001424176.1, NM_001424177.1 and 1 more transcripts); c.1519G>T, p.Gly507Trp (NM_001424179.1, NM_001424180.1); c.1498G>T, p.Gly500Trp (NM_001424182.1); short protein forms G500W, G507W, G508W.
Identifiers: ClinVar variation 3368922 (VCV003368922.1).